The following is an entry in ClinVar:

NM_022166.4(XYLT1):c.984C>T (p.Ile328=)

Gene: XYLT1 (xylosyltransferase 1; minus strand). Cytogenetic location: 16p12.3.
Variant type: single nucleotide variant.
Coding change: c.984C>T on transcript NM_022166.4 (MANE Select); coding-DNA position 984, C replaced by T.
Protein change: p.Ile328=; no amino-acid change (isoleucine 328 retained).
Molecular consequence: synonymous variant.
Genome position (GRCh38, 1-based): chr16:17,200,584, G>A on the plus strand (C>T on the coding strand, the complement: XYLT1 is on the minus strand). VCF-style: chr16-17200584-G-A. GRCh37 (hg19) VCF-style: chr16-17294441-G-A.
Other names: c.984C>T (NM_022166.3).
Identifiers: ClinVar variation 1649169 (VCV001649169.14), dbSNP rs776003531, ClinGen allele CA7928054.

ClinVar aggregate classification (germline): Likely benign. Review status: criteria provided, multiple submitters, no conflicts (2 of 4 stars). 3 submissions from 3 submitters: Likely benign (3). Last evaluated 2025-12-01.

Conditions:
Desbuquois dysplasia 1 (DBQD1). Also called: MICROMELIC DWARFISM WITH VERTEBRAL AND METAPHYSEAL ABNORMALITIES AND ADVANCED CARPOTARSAL OSSIFICATION; DESBUQUOIS DYSPLASIA 1, KIM VARIANT. Identifiers: Orphanet 1425, MedGen C4012146, MONDO:0009629, OMIM 251450.
XYLT1-related disorder. Also called: XYLT1-related condition.

Allele frequency attached by ClinVar (database versions not stated): gnomAD 0.00001; gnomAD exomes 0.00001 and 0.00005; TOPMed 0.00004; ExAC 0.00006.
gnomAD v4.1: 23 of 1,614,102 alleles (0.0014%); highest among the groups gnomAD compares: Admixed American, 0.025%; no homozygotes.

Submissions (3):

CeGaT Center for Human Genetics Tuebingen
Classification: Likely benign. Last evaluated: 2025-12-01. Review status: criteria provided, single submitter. Criteria: CeGaT Center For Human Genetics Tuebingen Variant Classification Criteria Version 2. Collection method: clinical testing. Allele origin: germline. Affected: yes. Observed: 1 variant allele.
Comment: XYLT1: BP4, BP7

PreventionGenetics, part of Exact Sciences
Classification: Likely benign for XYLT1-related condition. Last evaluated: 2025-02-26. Review status: criteria provided, single submitter. Criteria: ACMG Guidelines, 2015. Collection method: clinical testing. Allele origin: germline.
Comment: This variant is classified as likely benign based on ACMG/AMP sequence variant interpretation guidelines (Richards et al. 2015 PMID: 25741868, with internal and published modifications).

Labcorp Genetics (formerly Invitae), Labcorp
Classification: Likely benign for Desbuquois dysplasia 1. Last evaluated: 2025-01-24. Review status: criteria provided, single submitter. Criteria: Invitae Variant Classification Sherloc (09022015). Collection method: clinical testing. Allele origin: germline.